The following is an entry in ClinVar:

NM_004924.6(ACTN4):c.-43A>G

Gene: ACTN4 (actinin alpha 4; plus strand). Cytogenetic location: 19q13.2.
Variant type: single nucleotide variant.
Coding change: c.-43A>G on transcript NM_004924.6 (MANE Select); 43 bases upstream of the start codon, A replaced by G.
Molecular consequence: 5 prime UTR variant.
Genome position (GRCh38, 1-based): chr19:38,647,703, A>G. VCF-style: chr19-38647703-A-G. GRCh37 (hg19) VCF-style: chr19-39138343-A-G.
Other names: c.-43A>G (NM_001322033.2, NM_001411143.1).
Identifiers: ClinVar variation 3050017 (VCV003050017.2), dbSNP rs545517811, ClinGen allele CA9417155.

ClinVar aggregate classification (germline): Likely benign (0 of 4 stars; one submission).

Conditions:
ACTN4-related disorder. Also called: ACTN4-related condition.

Allele frequency attached by ClinVar (database versions not stated): gnomAD exomes 0.00007; ExAC 0.00008; gnomAD 0.00008; TOPMed 0.00009; 1000 Genomes Project 0.00040; 1000 Genomes Project 30x 0.00047.
gnomAD v4.1: 113 of 1,518,126 alleles (0.0074%); highest among the groups gnomAD compares: Middle Eastern, 0.31%; 1 homozygote.

Submission:

PreventionGenetics, part of Exact Sciences
Classification: Likely benign for ACTN4-related condition. Last evaluated: 2019-07-12. Review status: no assertion criteria provided. Collection method: clinical testing. Allele origin: germline.
Comment: This variant is classified as likely benign based on ACMG/AMP sequence variant interpretation guidelines (Richards et al. 2015 PMID: 25741868, with internal and published modifications).